The following is an entry in ClinVar:

NM_030662.4(MAP2K2):c.581-8G>A

Gene: MAP2K2 (mitogen-activated protein kinase kinase 2; minus strand). Cytogenetic location: 19p13.3.
Variant type: single nucleotide variant.
Coding change: c.581-8G>A on transcript NM_030662.4 (MANE Select); 8 bases into the intron before coding-DNA position 581, G replaced by A.
Molecular consequence: intron variant.
Genome position (GRCh38, 1-based): chr19:4,101,151, C>T on the plus strand (G>A on the coding strand, the complement: MAP2K2 is on the minus strand). VCF-style: chr19-4101151-C-T. GRCh37 (hg19) VCF-style: chr19-4101149-C-T.
Identifiers: ClinVar variation 227539 (VCV000227539.19), dbSNP rs369262004, ClinGen allele CA9090876.

ClinVar aggregate classification (germline): Benign/Likely benign. Review status: criteria provided, multiple submitters, no conflicts (2 of 4 stars). 7 submissions from 7 submitters: Benign (2); Likely benign (5). Last evaluated 2026-04-01.

Conditions:
Cardiofaciocutaneous syndrome 4 (CFC4). Also called: MAP2K2-Related Cardiofaciocutaneous Syndrome. Identifiers: Orphanet 1340, MedGen C3809007, MONDO:0014114, OMIM 615280.
RASopathy. Also called: rasopathies; Noonan spectrum disorder. Identifiers: Orphanet 536391, MedGen C5555857, MONDO:0021060.

Allele frequency attached by ClinVar (database versions not stated): ExAC 0.00007; gnomAD exomes 0.00008 and 0.00010; gnomAD 0.00012; ESP Exome Variant Server 0.00015; TOPMed 0.00016; 1000 Genomes Project 30x 0.00031; 1000 Genomes Project 0.00040.
gnomAD v4.1: 154 of 1,510,584 alleles (0.01%); highest among the groups gnomAD compares: East Asian, 0.03%; no homozygotes.

Submissions (7):

CeGaT Center for Human Genetics Tuebingen
Classification: Likely benign. Last evaluated: 2026-04-01. Review status: criteria provided, single submitter. Criteria: CeGaT Center For Human Genetics Tuebingen Variant Classification Criteria Version 2. Collection method: clinical testing. Allele origin: germline. Affected: yes. Observed: 1 variant allele.
Comment: MAP2K2: BP4, BS2

Labcorp Genetics (formerly Invitae), Labcorp
Classification: Likely benign for RASopathy. Last evaluated: 2025-12-23. Review status: criteria provided, single submitter. Criteria: Invitae Variant Classification Sherloc (09022015). Collection method: clinical testing. Allele origin: germline.

Blueprint Genetics
Classification: Likely benign. Last evaluated: 2024-09-10. Review status: criteria provided, single submitter. Criteria: ACMG Guidelines, 2015. Collection method: clinical testing. Allele origin: germline.

ARUP Laboratories, Molecular Genetics and Genomics, ARUP Laboratories
Classification: Benign for Cardiofaciocutaneous syndrome 4. Last evaluated: 2023-01-26. Review status: criteria provided, single submitter. Criteria: ARUP Molecular Germline Variant Investigation Process 2024. Collection method: clinical testing. Allele origin: germline.

GeneDx
Classification: Likely benign. Last evaluated: 2021-02-03. Review status: criteria provided, single submitter. Criteria: GeneDx Variant Classification Process June 2021. Collection method: clinical testing. Allele origin: germline. Affected: yes.

Women's Health and Genetics/Laboratory Corporation of America, LabCorp
Classification: Benign. Last evaluated: 2020-10-01. Review status: criteria provided, single submitter. Criteria: LabCorp Variant Classification Summary - May 2015. Collection method: clinical testing. Allele origin: germline.
Comment: Variant summary: MAP2K2 c.581-8G>A alters a non-conserved nucleotide located close to a canonical splice site and therefore could affect mRNA splicing, leading to a significantly altered protein sequence. 4/4 computational tools predict no significant impact on normal splicing. However, these predictions have yet to be confirmed by functional studies. The variant allele was found at a frequency of 8.1e-05 in 234782 control chromosomes. The observed variant frequency is approximately 32 fold of the estimated maximal expected allele frequency for a pathogenic variant in MAP2K2 causing Noonan Syndrome And Related Conditions phenotype (2.5e-06), strongly suggesting that the variant is benign. c.581-8G>A has been reported in the literature in individuals affected with Noonan Syndrome And Related Conditions (example, Justino_2015). These report(s) do not provide unequivocal conclusions about association of the variant with Noonan Syndrome And Related Conditions. To our knowledge, no experimental evidence demonstrating an impact on protein function has been reported. Two clinical diagnostic laboratories have submitted clinical-significance assessments for this variant to ClinVar after 2014 without evidence for independent evaluation. All laboratories classified the variant as likely benign. Based on the evidence outlined above, the variant was classified as benign.

Laboratory for Molecular Medicine, Mass General Brigham Personalized Medicine
Classification: Likely benign. Last evaluated: 2015-02-25. Review status: criteria provided, single submitter. Criteria: LMM Criteria. Collection method: clinical testing. Allele origin: germline. Observed: 1 variant allele.
Comment: c.581-8G>A in intron 5 of MAP2K2: This variant is not expected to have clinical significance because a change at this position does not diverge from the splice consensus sequence and is therefore unlikely to impact splicing. Furthermore, sp lice variants are not a known mechanism of disease for Noonan syndrome. It has b een identified in 5/67874 ethnically diverse chromosomes by the Exome Aggregatio n Consortium (ExAC; dbSNP rs369262004).

Literature cited by the submitters: PubMed 24896146 (cited by Women's Health and Genetics/Laboratory Corporation of America, LabCorp).